The following is an entry in ClinVar:

ClinVar aggregate classification (germline): Likely benign (1 of 4 stars; one submission).

Conditions:
OTOGL-related disorder. Also called: OTOGL-related condition.

gnomAD v4.1: 66 of 1,582,560 alleles (0.0042%); highest among the groups gnomAD compares: Middle Eastern, 0.083%; 1 homozygote.

Submission:

PreventionGenetics, part of Exact Sciences
Classification: Likely benign for OTOGL-related condition. Last evaluated: 2024-11-21. Review status: criteria provided, single submitter. Criteria: ACMG Guidelines, 2015. Collection method: clinical testing. Allele origin: germline.
Comment: This variant is classified as likely benign based on ACMG/AMP sequence variant interpretation guidelines (Richards et al. 2015 PMID: 25741868, with internal and published modifications).

NM_001378609.3(OTOGL):c.946-8T>A

Gene: OTOGL (otogelin like; plus strand). Cytogenetic location: 12q21.31.
Variant type: single nucleotide variant.
Coding change: c.946-8T>A on transcript NM_001378609.3 (MANE Select); 8 bases into the intron before coding-DNA position 946, T replaced by A.
Molecular consequence: intron variant.
Genome position (GRCh38, 1-based): chr12:80,239,325, T>A. VCF-style: chr12-80239325-T-A. GRCh37 (hg19) VCF-style: chr12-80633105-T-A.
Other names: c.946-8T>A (NM_001368062.3, NM_001378610.3, NM_173591.7).
Identifiers: ClinVar variation 4980717 (VCV004980717.1).